The following is an entry in ClinVar:

ClinVar aggregate classification (germline): Conflicting classifications of pathogenicity. Review status: criteria provided, conflicting classifications (1 of 4 stars). 5 submissions from 5 submitters: Pathogenic (1); Likely pathogenic (1); Uncertain significance (2). 1 of the submissions does not count toward it. Last evaluated 2022-09-05.

Conditions:
CFTR-related disorder (CFTR-RD). Also called: CFTR-related condition; CFTR-related disorders. Identifiers: MedGen C5924204, MONDO:7770004.
Cystic fibrosis (CF). Also called: MUCOVISCIDOSIS. Identifiers: Orphanet 586, MedGen C0010674, MONDO:0009061, OMIM 219700. Disease mechanism: loss of function.

Allele frequency attached by ClinVar (database versions not stated): gnomAD exomes 0.00001 and below 0.00001.
gnomAD v4.1: 2 of 1,613,940 alleles (0.00012%); highest among the groups gnomAD compares: Non-Finnish European, 0.00017%; no homozygotes.

Submissions (5):

Institute of Human Genetics, University of Leipzig Medical Center
Classification: Likely pathogenic for Cystic fibrosis. Last evaluated: 2022-09-05. Review status: criteria provided, single submitter. Criteria: ACMG Guidelines, 2015. Collection method: curation. Allele origin: unknown. Affected: yes. Observed: 2 variant alleles.
Comment: This variant was identified in 2 unrelated patients with a clinically confirmed diagnosis of cystic fibrosis. The variant was classified in the context of a project re-classifying variants in the German Cystic Fibrosis Registry (Muko.e.V.). Criteria applied: PS1, PM2_SUP, PM3, PP3, PP4

Labcorp Genetics (formerly Invitae), Labcorp
Classification: Uncertain significance for Cystic fibrosis. Last evaluated: 2021-09-01. Review status: criteria provided, single submitter. Criteria: Invitae Variant Classification Sherloc (09022015). Collection method: clinical testing. Allele origin: germline.
Comment: This sequence change replaces tryptophan with arginine at codon 361 of the CFTR protein (p.Trp361Arg). The tryptophan residue is highly conserved and there is a moderate physicochemical difference between tryptophan and arginine. This variant is not present in population databases (ExAC no frequency). This missense change has been observed in individual(s) with cystic fibrosis (PMID: 7518409, 10923036, 11788090, 17331079). Algorithms developed to predict the effect of missense changes on protein structure and function are either unavailable or do not agree on the potential impact of this missense change (SIFT: "Deleterious"; PolyPhen-2: "Benign"; Align-GVGD: "Class C0"). In summary, the available evidence is currently insufficient to determine the role of this variant in disease. Therefore, it has been classified as a Variant of Uncertain Significance.

Genome-Nilou Lab
Classification: Uncertain significance for Cystic fibrosis. Last evaluated: 2021-07-22. Review status: criteria provided, single submitter. Criteria: ACMG Guidelines, 2015. Collection method: clinical testing. Allele origin: germline. Affected: no.

CFTR-France
Classification: Pathogenic for cystic fibrosis. Last evaluated: 2018-01-29. Review status: criteria provided, single submitter. Criteria: Claustres M et al. (Hum Mutat 2017). Collection method: curation. Allele origin: germline. Affected: yes.

Natera, Inc.
Classification: Uncertain significance for CFTR-related disorders. Last evaluated: 2021-06-02. Review status: no assertion criteria provided. Collection method: clinical testing. Allele origin: germline. Not counted in ClinVar's aggregate classification.

Literature cited by the submitters: PubMed 7518409 (cited by Labcorp Genetics (formerly Invitae), Labcorp); PubMed 10923036 (cited by Labcorp Genetics (formerly Invitae), Labcorp); PubMed 11788090 (cited by Labcorp Genetics (formerly Invitae), Labcorp); PubMed 17331079 (cited by Labcorp Genetics (formerly Invitae), Labcorp).

NM_000492.4(CFTR):c.1081T>C (p.Trp361Arg)

Gene: CFTR (CF transmembrane conductance regulator; plus strand). Cytogenetic location: 7q31.2.
Variant type: single nucleotide variant.
Coding change: c.1081T>C on transcript NM_000492.4 (MANE Select); coding-DNA position 1081, T replaced by C.
Protein change: p.Trp361Arg; replaces tryptophan 361 with arginine.
Molecular consequence: missense variant.
Genome position (GRCh38, 1-based): chr7:117,540,311, T>C. VCF-style: chr7-117540311-T-C. GRCh37 (hg19) VCF-style: chr7-117180365-T-C.
Other names: W361R(T->C); short protein forms W361R.
Identifiers: ClinVar variation 53184 (VCV000053184.13), dbSNP rs397508154, ClinGen allele CA326395.